The following is an entry in ClinVar:

NM_014159.7(SETD2):c.3860A>G (p.Gln1287Arg)

Gene: SETD2 (SET domain containing 2, histone lysine methyltransferase; minus strand). Cytogenetic location: 3p21.31.
Variant type: single nucleotide variant.
Coding change: c.3860A>G on transcript NM_014159.7 (MANE Select); coding-DNA position 3860, A replaced by G.
Protein change: p.Gln1287Arg; replaces glutamine 1287 with arginine.
Molecular consequence: missense variant. On other transcripts: non-coding transcript variant (1).
Genome position (GRCh38, 1-based): chr3:47,120,776, T>C on the plus strand (A>G on the coding strand, the complement: SETD2 is on the minus strand). VCF-style: chr3-47120776-T-C. GRCh37 (hg19) VCF-style: chr3-47162266-T-C.
Other names: c.3728A>G, p.Gln1243Arg (NM_001349370.3); short protein forms Q1243R, Q1287R.
Identifiers: ClinVar variation 5019208 (VCV005019208.2).

ClinVar aggregate classification (germline): Uncertain significance (1 of 4 stars; one submission).

Conditions:
Rabin-Pappas syndrome. Identifiers: MedGen C5774269, MONDO:0859331, OMIM 620155.
Intellectual developmental disorder, autosomal dominant 70. Identifiers: MedGen C5774271, MONDO:0859333, OMIM 620157.
Luscan-Lumish syndrome. Identifiers: Orphanet 597738, MedGen C4085873, MONDO:0014791, OMIM 616831.

Submission:

Juno Genomics, Hangzhou Juno Genomics, Inc
Classification: Uncertain significance for Intellectual developmental disorder, autosomal dominant 70; Rabin-Pappas syndrome; Luscan-Lumish syndrome. Review status: criteria provided, single submitter. Criteria: ACMG Guidelines, 2015. Collection method: clinical testing. Allele origin: germline.
Comment: Absent from controls (or at extremely low frequency if recessive) in Genome Aggregation Database.;Missense variant in a gene that has a low rate of benign missense variation.